The following is an entry in ClinVar:

NM_203486.3(DLL3):c.639dup (p.Cys214fs)

Genes: DLL3 (delta like canonical Notch ligand 3; plus strand), LOC130064417 (ATAC-STARR-seq lymphoblastoid silent region 10608; plus strand). Cytogenetic location: 19q13.2.
Variant type: Duplication.
Coding change: c.639dup on transcript NM_203486.3 (MANE Select); coding-DNA position 639, one base duplicated (A; older notation c.639dupA).
Protein change: p.Cys214fs; shifts the reading frame from cysteine 214.
Molecular consequence: frameshift variant.
Genome position (GRCh38, 1-based): chr19:39,503,044, A duplicated; the last of 2 consecutive A bases (chr19:39,503,043-39,503,044); duplicating either gives the same sequence. VCF-style (leftmost placement, unchanged base first): chr19-39503042-G-GA. GRCh37 (hg19) VCF-style: chr19-39993682-G-GA.
Other names: c.639dup, p.Cys214fs (NM_016941.4); short protein forms C214fs.
Identifiers: ClinVar variation 3663911 (VCV003663911.2).

ClinVar aggregate classification (germline): Pathogenic (1 of 4 stars; one submission).

Submission:

Labcorp Genetics (formerly Invitae), Labcorp
Classification: Pathogenic. Last evaluated: 2024-08-29. Review status: criteria provided, single submitter. Criteria: Invitae Variant Classification Sherloc (09022015). Collection method: clinical testing. Allele origin: germline.
Comment: This sequence change creates a premature translational stop signal (p.Cys214Metfs*2) in the DLL3 gene. It is expected to result in an absent or disrupted protein product. Loss-of-function variants in DLL3 are known to be pathogenic (PMID: 12746394). This variant is not present in population databases (gnomAD no frequency). This variant has not been reported in the literature in individuals affected with DLL3-related conditions. For these reasons, this variant has been classified as Pathogenic.

Literature cited by the submitters: PubMed 12746394.